The following is an entry in ClinVar:

NM_001009944.3(PKD1):c.7544G>A (p.Arg2515Gln)

Gene: PKD1 (polycystin 1, transient receptor potential channel interacting; minus strand). Cytogenetic location: 16p13.3.
Variant type: single nucleotide variant.
Coding change: c.7544G>A on transcript NM_001009944.3 (MANE Select); coding-DNA position 7544, G replaced by A.
Protein change: p.Arg2515Gln; replaces arginine 2515 with glutamine.
Molecular consequence: missense variant.
Genome position (GRCh38, 1-based): chr16:2,106,250, C>T on the plus strand (G>A on the coding strand, the complement: PKD1 is on the minus strand). VCF-style: chr16-2106250-C-T. GRCh37 (hg19) VCF-style: chr16-2156251-C-T.
Other names: c.7544G>A, p.Arg2515Gln (NM_000296.4); short protein forms R2515Q.
Identifiers: ClinVar variation 3357037 (VCV003357037.4).
Genomic context (GRCh38, chr16:2,106,250, plus strand): 5'-TAGCTGGAGAGGCTGCCCTTGTAGACACAGAACTCCTCGCAGTGGCCCTGGCGACAGCGC[C>T]GCAGCAGCAGGGCGTACACCAGCGGGGCGCCAGCATCCTCCGCGTCATGCCAGCCTGAGG-3'
Protein context (NP_001009944.3, residues 2505-2525): GAPLVYALLL[Arg2515Gln]RCRQGHCEEF

ClinVar aggregate classification (germline): Conflicting classifications of pathogenicity. Review status: criteria provided, conflicting classifications (1 of 4 stars). 3 submissions from 3 submitters: Uncertain significance (1); Likely benign (1). 1 of the submissions does not count toward it. Last evaluated 2025-04-03.

Conditions:
PKD1-related disorder. Also called: PKD1-related condition.
Polycystic kidney disease, adult type (PKD1). Also called: Polycystic Kidney, Autosomal Dominant; POLYCYSTIC KIDNEY DISEASE 1 WITH OR WITHOUT POLYCYSTIC LIVER DISEASE; POLYCYSTIC KIDNEY DISEASE, ADULT, TYPE I; Polycystic Kidney Disease 1, Autosomal Dominant; Polycystic kidney disease 1; Polycystic kidney disease 1, severe. Identifiers: MedGen C3149841, MONDO:0008263, OMIM 173900.

gnomAD v4.1: 44 of 1,610,104 alleles (0.0027%); highest among the groups gnomAD compares: East Asian, 0.0045%; no homozygotes.

Submissions (3):

Women's Health and Genetics/Laboratory Corporation of America, LabCorp
Classification: Uncertain significance. Last evaluated: 2025-04-03. Review status: criteria provided, single submitter. Criteria: LabCorp Variant Classification Summary - May 2015. Collection method: clinical testing. Allele origin: germline.
Comment: Variant summary: PKD1 c.7544G>A (p.Arg2515Gln) results in a conservative amino acid change located in the REJ domain (IPR014010) of the encoded protein sequence. Four of five in-silico tools predict a benign effect of the variant on protein function. The variant allele was found at a frequency of 1.2e-05 in 244256 control chromosomes. The available data on variant occurrences in the general population are insufficient to allow any conclusion about variant significance. To our knowledge, no occurrence of c.7544G>A in individuals affected with PKD1-Biallelic Autosomal Recessive Polycystic Kidney Disease and no experimental evidence demonstrating its impact on protein function have been reported. ClinVar contains an entry for this variant (Variation ID: 3357037). Based on the evidence outlined above, the variant was classified as uncertain significance.

Fulgent Genetics
Classification: Likely benign for Polycystic kidney disease, adult type. Last evaluated: 2024-01-06. Review status: criteria provided, single submitter. Criteria: ACMG Guidelines, 2015. Collection method: clinical testing. Allele origin: germline.

PreventionGenetics, part of Exact Sciences
Classification: Uncertain significance for PKD1-related condition. Last evaluated: 2024-03-11. Review status: no assertion criteria provided. Collection method: clinical testing. Allele origin: germline. Not counted in ClinVar's aggregate classification.
Comment: The PKD1 c.7544G>A variant is predicted to result in the amino acid substitution p.Arg2515Gln. To our knowledge, this variant has not been reported in the literature. The p.Arg2515 residue is a weakly conserved amino acid. This variant is reported in 0.0042% of alleles in individuals of African descent in gnomAD. Of note, a different substitution at the same codon, defined as c.7544G>C (p.Arg2515Pro), was reported in an individual with autosomal dominant polycystic kidney disease (ADPKD), but the clinical significance was uncertain (Xu et al. 2018. PubMed ID: 29529603). At this time, the clinical significance of this variant is uncertain due to the absence of conclusive functional and genetic evidence.